The following is an entry in ClinVar:

ClinVar aggregate classification (germline): Uncertain significance (1 of 4 stars; one submission).

Submission:

Labcorp Genetics (formerly Invitae), Labcorp
Classification: Uncertain significance. Last evaluated: 2024-02-11. Review status: criteria provided, single submitter. Criteria: Invitae Variant Classification Sherloc (09022015). Collection method: clinical testing. Allele origin: germline.
Comment: This sequence change affects a donor splice site in intron 40 of the MTOR gene. It is expected to disrupt RNA splicing. Variants that disrupt the donor or acceptor splice site typically lead to a loss of protein function (PMID: 16199547), however the current clinical and genetic evidence is not sufficient to establish whether loss-of-function variants in MTOR cause disease. This variant is not present in population databases (gnomAD no frequency). This variant has not been reported in the literature in individuals affected with MTOR-related conditions. Algorithms developed to predict the effect of sequence changes on RNA splicing suggest that this variant may disrupt the consensus splice site. In summary, the available evidence is currently insufficient to determine the role of this variant in disease. Therefore, it has been classified as a Variant of Uncertain Significance.

Literature cited by the submitters: PubMed 16199547.

NM_004958.4(MTOR):c.5714+2T>G

Gene: MTOR (mechanistic target of rapamycin kinase; minus strand). Cytogenetic location: 1p36.22.
Variant type: single nucleotide variant.
Coding change: c.5714+2T>G on transcript NM_004958.4 (MANE Select); the canonical splice donor site of the intron after coding-DNA position 5714, T replaced by G.
Molecular consequence: splice donor variant.
Genome position (GRCh38, 1-based): chr1:11,129,736, A>C on the plus strand (T>G on the coding strand, the complement: MTOR is on the minus strand). VCF-style: chr1-11129736-A-C. GRCh37 (hg19) VCF-style: chr1-11189793-A-C.
Other names: c.4466+2T>G (NM_001386501.1); c.5714+2T>G (NM_001386500.1).
Identifiers: ClinVar variation 3640132 (VCV003640132.2).